The following is an entry in ClinVar:

ClinVar aggregate classification (germline): Uncertain significance (1 of 4 stars; one submission).

Conditions:
Joubert syndrome 20 (JBTS20). Identifiers: Orphanet 475, MedGen C3554235, MONDO:0013994, OMIM 614970.
Meckel syndrome, type 11 (MKS11). Identifiers: Orphanet 564, MedGen C3809352, MONDO:0014164, OMIM 615397.

Allele frequency attached by ClinVar (database versions not stated): gnomAD exomes below 0.00001.
gnomAD v4.1: 3 of 1,609,534 alleles (0.00019%); highest among the groups gnomAD compares: South Asian, 0.0022%; no homozygotes.

Submission:

Labcorp Genetics (formerly Invitae), Labcorp
Classification: Uncertain significance for Joubert syndrome 20; Meckel syndrome, type 11. Last evaluated: 2024-10-23. Review status: criteria provided, single submitter. Criteria: Invitae Variant Classification Sherloc (09022015). Collection method: clinical testing. Allele origin: germline.
Comment: This sequence change replaces proline, which is neutral and non-polar, with alanine, which is neutral and non-polar, at codon 305 of the TMEM231 protein (p.Pro305Ala). This variant is present in population databases (no rsID available, gnomAD 0.003%). This variant has not been reported in the literature in individuals affected with TMEM231-related conditions. ClinVar contains an entry for this variant (Variation ID: 649504). Experimental studies and prediction algorithms are not available or were not evaluated, and the functional significance of this variant is currently unknown. In summary, the available evidence is currently insufficient to determine the role of this variant in disease. Therefore, it has been classified as a Variant of Uncertain Significance.

NM_001077418.3(TMEM231):c.754C>G (p.Pro252Ala)

Gene: TMEM231 (transmembrane protein 231; minus strand). Cytogenetic location: 16q23.1.
Variant type: single nucleotide variant.
Coding change: c.754C>G on transcript NM_001077418.3 (MANE Select); coding-DNA position 754, C replaced by G.
Protein change: p.Pro252Ala; replaces proline 252 with alanine.
Molecular consequence: missense variant. On other transcripts: non-coding transcript variant (1).
Genome position (GRCh38, 1-based): chr16:75,541,366, G>C on the plus strand (C>G on the coding strand, the complement: TMEM231 is on the minus strand). VCF-style: chr16-75541366-G-C. GRCh37 (hg19) VCF-style: chr16-75575264-G-C.
Other names: c.913C>G, p.Pro305Ala (NM_001077416.2); short protein forms P252A, P305A.
Identifiers: ClinVar variation 649504 (VCV000649504.8), dbSNP rs1295551040, ClinGen allele CA396804200.